The following is an entry in ClinVar:

NM_032608.7(MYO18B):c.2243_2245dup (p.Arg748dup)

Gene: MYO18B (myosin XVIIIB; plus strand). Cytogenetic location: 22q12.1.
Variant type: Duplication.
Coding change: c.2243_2245dup on transcript NM_032608.7 (MANE Select); coding-DNA positions 2243 to 2245, 3 bases duplicated (GGC; older notation c.2243_2245dupGGC).
Protein change: p.Arg748dup; duplicates arginine 748.
Molecular consequence: inframe insertion.
Genome position (GRCh38, 1-based): chr22:25,781,765-25,781,767, GGC duplicated; duplicating any 3 consecutive bases within chr22:25,781,764-25,781,767 gives the same sequence; the c. name uses the placement nearest the transcript's 3' end. VCF-style (leftmost placement, unchanged base first): chr22-25781763-A-ACGG. GRCh37 (hg19) VCF-style: chr22-26177730-A-ACGG.
Other names: c.2243_2245dup, p.Arg748dup (NM_001318245.2).
Identifiers: ClinVar variation 1351837 (VCV001351837.3), dbSNP rs745421341, ClinGen allele CA10160106.

ClinVar aggregate classification (germline): Uncertain significance (1 of 4 stars; one submission).

Submission:

Labcorp Genetics (formerly Invitae), Labcorp
Classification: Uncertain significance. Last evaluated: 2021-08-26. Review status: criteria provided, single submitter. Criteria: Invitae Variant Classification Sherloc (09022015). Collection method: clinical testing. Allele origin: germline.
Comment: This variant, c.2243_2245dup, results in the insertion of 1 amino acid(s) to the MYO18B protein (p.Arg748dup), but otherwise preserves the integrity of the reading frame. This variant is present in population databases (rs745421341, ExAC 0.004%). This variant has not been reported in the literature in individuals affected with MYO18B-related conditions. Experimental studies and prediction algorithms are not available or were not evaluated, and the functional significance of this variant is currently unknown. In summary, the available evidence is currently insufficient to determine the role of this variant in disease. Therefore, it has been classified as a Variant of Uncertain Significance.